The following is an entry in ClinVar:

ClinVar aggregate classification (germline): Uncertain significance (1 of 4 stars; one submission).

Submission:

GeneDx
Classification: Uncertain significance. Last evaluated: 2021-01-21. Review status: criteria provided, single submitter. Criteria: GeneDx Variant Classification Process June 2021. Collection method: clinical testing. Allele origin: germline. Affected: yes.
Comment: Not observed in large population cohorts (Lek et al., 2016); In silico analysis supports that this missense variant has a deleterious effect on protein structure/function; Has not been previously published as pathogenic or benign to our knowledge

NM_006005.3(WFS1):c.718A>T (p.Asn240Tyr)

Gene: WFS1 (wolframin ER transmembrane glycoprotein; plus strand). Cytogenetic location: 4p16.1.
Variant type: single nucleotide variant.
Coding change: c.718A>T on transcript NM_006005.3 (MANE Select); coding-DNA position 718, A replaced by T.
Protein change: p.Asn240Tyr; replaces asparagine 240 with tyrosine.
Molecular consequence: missense variant.
Genome position (GRCh38, 1-based): chr4:6,295,046, A>T. VCF-style: chr4-6295046-A-T. GRCh37 (hg19) VCF-style: chr4-6296773-A-T.
Other names: c.718A>T, p.Asn240Tyr (NM_001145853.1); short protein forms N240Y.
Identifiers: ClinVar variation 1318987 (VCV001318987.2), dbSNP rs2109119490, ClinGen allele CA356172387.
Genomic context (GRCh38, chr4:6,295,046, plus strand): 5'-GGTGGCAGTGGGGCTGCAGTGTGGGGCGCCCATGCTGTTTTCTCTCATGCTTCAGCCAAG[A>T]ACTACATCGCGCTGGATGACTTTGTGGAGATCACTAAGAAGTACGCCAAGGGCGTCATCC-3'
Protein context (NP_005996.2, residues 230-250): LERLVSSESK[Asn240Tyr]YIALDDFVEI